The following is an entry in ClinVar:

ClinVar aggregate classification (germline): Uncertain significance. Review status: criteria provided, multiple submitters, no conflicts (2 of 4 stars). 2 submissions from 2 submitters: Uncertain significance (2). Last evaluated 2026-05-01.

Conditions:
Amyotrophic lateral sclerosis type 21. Also called: VOCAL CORD AND PHARYNGEAL DYSFUNCTION WITH DISTAL MYOPATHY; MYOPATHY, DISTAL, 2. Identifiers: Orphanet 600, Orphanet 803, MedGen C3807521, MONDO:0011632, OMIM 606070.

gnomAD v4.1: 3 of 1,614,078 alleles (0.00019%); highest among the groups gnomAD compares: Non-Finnish European, 0.00025%; no homozygotes.

Submissions (2):

CeGaT Center for Human Genetics Tuebingen
Classification: Uncertain significance. Last evaluated: 2026-05-01. Review status: criteria provided, single submitter. Criteria: CeGaT Center For Human Genetics Tuebingen Variant Classification Criteria Version 2. Collection method: clinical testing. Allele origin: germline. Affected: yes. Observed: 2 variant alleles.
Comment: MATR3: PM2, PP3

Labcorp Genetics (formerly Invitae), Labcorp
Classification: Uncertain significance for Amyotrophic lateral sclerosis type 21. Last evaluated: 2022-09-07. Review status: criteria provided, single submitter. Criteria: Invitae Variant Classification Sherloc (09022015). Collection method: clinical testing. Allele origin: germline.
Comment: Algorithms developed to predict the effect of missense changes on protein structure and function are either unavailable or do not agree on the potential impact of this missense change (SIFT: "Deleterious"; PolyPhen-2: "Probably Damaging"; Align-GVGD: "Class C0"). In summary, the available evidence is currently insufficient to determine the role of this variant in disease. Therefore, it has been classified as a Variant of Uncertain Significance. This variant has not been reported in the literature in individuals affected with MATR3-related conditions. This sequence change replaces arginine, which is basic and polar, with serine, which is neutral and polar, at codon 496 of the MATR3 protein (p.Arg496Ser). This variant is not present in population databases (gnomAD no frequency).

NM_018834.6(MATR3):c.1486C>A (p.Arg496Ser)

Gene: MATR3 (matrin 3; plus strand). Cytogenetic location: 5q31.2.
Variant type: single nucleotide variant.
Coding change: c.1486C>A on transcript NM_018834.6 (MANE Select); coding-DNA position 1486, C replaced by A.
Protein change: p.Arg496Ser; replaces arginine 496 with serine.
Molecular consequence: missense variant.
Genome position (GRCh38, 1-based): chr5:139,319,385, C>A. VCF-style: chr5-139319385-C-A. GRCh37 (hg19) VCF-style: chr5-138655074-C-A.
Other names: c.1486C>A, p.Arg496Ser (NM_001194954.2, NM_001194955.2, NM_001400441.1 and 16 more transcripts); c.622C>A, p.Arg208Ser (NM_001194956.2); c.472C>A, p.Arg158Ser (NM_001282278.2, NM_001400460.1, NM_001400462.1 and 5 more transcripts); c.625C>A, p.Arg209Ser (NM_001400459.1); c.586C>A, p.Arg196Ser (NM_001400461.1); short protein forms R158S, R196S, R208S, R209S, R496S.
Identifiers: ClinVar variation 1719058 (VCV001719058.12), dbSNP rs1321872002, ClinGen allele CA361141352.
Genomic context (GRCh38, chr5:139,319,385, plus strand): 5'-TTATTAAAGAAACCTGAAGGAAAGCCAGATCAGAAGTTTGATCAAAAGCAAGAGCTTGGA[C>A]GTGTGATACATCTCAGCAATTTGCCGCATTCTGGCTATTCTGATAGTGCTGTTCTCAAGC-3'
Protein context (NP_061322.2, residues 486-506): QKFDQKQELG[Arg496Ser]VIHLSNLPHS